The following is an entry in ClinVar:

ClinVar aggregate classification (germline): Uncertain significance (1 of 4 stars; one submission).

Conditions:
NIK deficiency. Also called: Primary immunodeficiency with multifaceted aberrant lymphoid immunity. Identifiers: Orphanet 447731, MedGen C5680065, MONDO:0018642.

Submission:

Labcorp Genetics (formerly Invitae), Labcorp
Classification: Uncertain significance for NIK deficiency. Last evaluated: 2022-08-19. Review status: criteria provided, single submitter. Criteria: Invitae Variant Classification Sherloc (09022015). Collection method: clinical testing. Allele origin: germline.
Comment: This sequence change creates a premature translational stop signal (p.Arg850Alafs*20) in the MAP3K14 gene. It is expected to result in an absent or disrupted protein product. However, the current clinical and genetic evidence is not sufficient to establish whether loss-of-function variants in MAP3K14 cause disease. This variant is not present in population databases (gnomAD no frequency). This variant has not been reported in the literature in individuals affected with MAP3K14-related conditions. In summary, the available evidence is currently insufficient to determine the role of this variant in disease. Therefore, it has been classified as a Variant of Uncertain Significance.

NM_003954.5(MAP3K14):c.2547dup (p.Arg850fs)

Genes: MAP3K14 (mitogen-activated protein kinase kinase kinase 14; minus strand), MAP3K14-AS1 (MAP3K14 antisense RNA 1; plus strand). Cytogenetic location: 17q21.31.
Variant type: Duplication.
Coding change: c.2547dup on transcript NM_003954.5 (MANE Select); coding-DNA position 2547, one base duplicated (G; older notation c.2547dupG).
Protein change: p.Arg850fs; shifts the reading frame from arginine 850.
Molecular consequence: frameshift variant.
Genome position (GRCh38, 1-based): chr17:45,266,568, C duplicated on the plus strand (G on the coding strand, the reverse complement: MAP3K14 is on the minus strand); the first of 5 consecutive C bases (chr17:45,266,568-45,266,572); duplicating any one gives the same sequence. VCF-style (leftmost placement, unchanged base first): chr17-45266567-G-GC. GRCh37 (hg19) VCF-style: chr17-43343934-G-GC.
Other names: short protein forms R850fs.
Identifiers: ClinVar variation 2024736 (VCV002024736.4), dbSNP rs2508961742, ClinGen allele CA2580093940.
Genomic context (GRCh38, chr17:45,266,567, plus strand): 5'-ACTGCTGAGCAGGTGGGAATTGGACTGTACCATTGAAATAGCTTGGGGTGTCGGTGGGCC[G>GC]CCCCCGGGCCAGCACCATGTTCCAGCTGGAGCTTCGAGCCTCGGCCTGGCTGCTCCAGGA-3'